The following is an entry in ClinVar:

NM_206933.4(USH2A):c.1486A>G (p.Thr496Ala)

Gene: USH2A (usherin; minus strand). Cytogenetic location: 1q41.
Variant type: single nucleotide variant.
Coding change: c.1486A>G on transcript NM_206933.4 (MANE Select); coding-DNA position 1486, A replaced by G.
Protein change: p.Thr496Ala; replaces threonine 496 with alanine.
Molecular consequence: missense variant.
Genome position (GRCh38, 1-based): chr1:216,323,538, T>C on the plus strand (A>G on the coding strand, the complement: USH2A is on the minus strand). VCF-style: chr1-216323538-T-C. GRCh37 (hg19) VCF-style: chr1-216496880-T-C.
Other names: c.1486A>G, p.Thr496Ala (NM_007123.6); short protein forms T496A.
Identifiers: ClinVar variation 3893433 (VCV003893433.1).

ClinVar aggregate classification (germline): Uncertain significance (1 of 4 stars; one submission).

gnomAD v4.1: 1 of 1,613,558 alleles (0.000062%); highest among the groups gnomAD compares: Non-Finnish European, 0.000085%; no homozygotes.

Submission:

GeneDx
Classification: Uncertain significance. Last evaluated: 2024-10-24. Review status: criteria provided, single submitter. Criteria: GeneDx Variant Classification Process June 2021. Collection method: clinical testing. Allele origin: germline. Affected: yes.
Comment: Not observed at significant frequency in large population cohorts (gnomAD); In silico analysis indicates that this missense variant does not alter protein structure/function; Has not been previously published as pathogenic or benign to our knowledge